The following is an entry in ClinVar:

NM_024312.5(GNPTAB):c.2054C>A (p.Ser685Ter)

Gene: GNPTAB (N-acetylglucosamine-1-phosphate transferase subunits alpha and beta; minus strand). Cytogenetic location: 12q23.2.
Variant type: single nucleotide variant.
Coding change: c.2054C>A on transcript NM_024312.5 (MANE Select); coding-DNA position 2054, C replaced by A.
Protein change: p.Ser685Ter; replaces serine 685 with a stop codon.
Molecular consequence: nonsense.
Genome position (GRCh38, 1-based): chr12:101,764,863, G>T on the plus strand (C>A on the coding strand, the complement: GNPTAB is on the minus strand). VCF-style: chr12-101764863-G-T. GRCh37 (hg19) VCF-style: chr12-102158641-G-T.
Other names: short protein forms S685*.
Identifiers: ClinVar variation 1725509 (VCV001725509.3), dbSNP rs2547957481, ClinGen allele CA386299094.
Genomic context (GRCh38, chr12:101,764,863, plus strand): 5'-TTTGGAAGGAGTGAAATATTTACCAGGGGAATTTTCACCTCTTCCTGGGCTCTCCTTGTT[G>T]AGTTAACATCATGTCTCTTAAACTTCGGGAAGCGTTTTTCTTTGGGAATATCCTCAAAAA-3'

ClinVar aggregate classification (germline): Likely pathogenic (1 of 4 stars; one submission).

Conditions:
GNPTAB-mucolipidosis. Also called: UDP-N-acetylglucosamine-1-phosphotransferase subunit alpha/beta deficiency. Identifiers: MedGen CN322573, MONDO:0100122.

Submission:

Myriad Genetics, Inc.
Classification: Likely pathogenic for GNPTAB-mucolipidosis. Last evaluated: 2022-03-29. Review status: criteria provided, single submitter. Criteria: Myriad Autosomal Dominant, Autosomal Recessive and X-Linked Classification Criteria (2023). Collection method: clinical testing. Allele origin: unknown.
Comment: NM_024312.4(GNPTAB):c.2054C>A(S685*) is expected to be pathogenic in the context of GNPTAB-related disorders. This variant is predicted to lead to an abnormal or absent protein product due to the creation of a premature termination codon in GNPTAB, a gene where loss-of-function variants are known to be pathogenic. Please note: this variant was assessed in the context of healthy population screening.